The following is an entry in ClinVar:

NM_138425.4(C12orf57):c.8C>T (p.Ser3Phe)

Gene: C12orf57 (chromosome 12 open reading frame 57; plus strand). Cytogenetic location: 12p13.31.
Variant type: single nucleotide variant.
Coding change: c.8C>T on transcript NM_138425.4 (MANE Select); coding-DNA position 8, C replaced by T.
Protein change: p.Ser3Phe; replaces serine 3 with phenylalanine.
Molecular consequence: missense variant. On other transcripts: 5 prime UTR variant (1), non-coding transcript variant (1), intron variant (1).
Genome position (GRCh38, 1-based): chr12:6,944,129, C>T. VCF-style: chr12-6944129-C-T. GRCh37 (hg19) VCF-style: chr12-7053292-C-T.
Other names: c.8C>T, p.Ser3Phe (NM_001301834.1, NM_001301837.2); c.-194C>T (NM_001301838.2); c.14-347C>T (NM_001301836.2); short protein forms S3F.
Identifiers: ClinVar variation 1681810 (VCV001681810.6), dbSNP rs368241854, ClinGen allele CA6421163.

ClinVar aggregate classification (germline): Uncertain significance (1 of 4 stars; one submission).

Conditions:
Temtamy syndrome (TEMTYS). Also called: MENTAL RETARDATION WITH OR WITHOUT CRANIOFACIAL DYSMORPHISM, OCULAR COLOBOMA, OR ABNORMAL CORPUS CALLOSUM. Identifiers: Orphanet 1777, MedGen C1857512, MONDO:0009033, OMIM 218340.

Allele frequency attached by ClinVar (database versions not stated): TOPMed 0.00003; gnomAD 0.00006; ESP Exome Variant Server 0.00008.
gnomAD v4.1: 195 of 1,614,134 alleles (0.012%); highest among the groups gnomAD compares: Non-Finnish European, 0.016%; no homozygotes.

Submission:

Labcorp Genetics (formerly Invitae), Labcorp
Classification: Uncertain significance for Temtamy syndrome. Last evaluated: 2026-02-02. Review status: criteria provided, single submitter. Criteria: Invitae Variant Classification Sherloc (09022015). Collection method: clinical testing. Allele origin: germline.
Comment: This sequence change replaces serine, which is neutral and polar, with phenylalanine, which is neutral and non-polar, at codon 3 of the C12orf57 protein (p.Ser3Phe). This variant is present in population databases (rs368241854, gnomAD 0.009%). This variant has not been reported in the literature in individuals affected with C12orf57-related conditions. ClinVar contains an entry for this variant (Variation ID: 1681810). An algorithm developed to predict the effect of missense changes on protein structure and function (PolyPhen-2) suggests that this variant is likely to be tolerated. In summary, the available evidence is currently insufficient to determine the role of this variant in disease. Therefore, it has been classified as a Variant of Uncertain Significance.